The following is an entry in ClinVar:

ClinVar aggregate classification (germline): Likely benign. Review status: criteria provided, multiple submitters, no conflicts (2 of 4 stars). 4 submissions from 4 submitters: Likely benign (3). 1 of the submissions does not count toward it. Last evaluated 2023-09-08.

Conditions:
LTBP3-related disorder. Also called: LTBP3-related condition.
Brachyolmia-amelogenesis imperfecta syndrome. Also called: PLATYSPONDYLY WITH AMELOGENESIS IMPERFECTA; Tooth agenesis, selective, 6; Dental anomalies and short stature. Identifiers: Orphanet 2899, MedGen C1832594, MONDO:0011018, OMIM 601216. Disease mechanism: loss of function.
Inborn genetic diseases. Identifiers: MedGen C0950123, MeSH D030342.

Allele frequency attached by ClinVar (database versions not stated): ExAC 0.00022.
gnomAD v4.1: 38 of 1,545,506 alleles (0.0025%); highest among the groups gnomAD compares: South Asian, 0.039%; no homozygotes.

Submissions (4):

Blueprint Genetics
Classification: Likely benign. Last evaluated: 2023-09-08. Review status: criteria provided, single submitter. Criteria: ACMG Guidelines, 2015. Collection method: clinical testing. Allele origin: germline.

Labcorp Genetics (formerly Invitae), Labcorp
Classification: Likely benign for Brachyolmia-amelogenesis imperfecta syndrome. Last evaluated: 2023-08-30. Review status: criteria provided, single submitter. Criteria: Invitae Variant Classification Sherloc (09022015). Collection method: clinical testing. Allele origin: germline.

Ambry Genetics
Classification: Likely benign for Inborn genetic diseases. Last evaluated: 2019-10-13. Review status: criteria provided, single submitter. Criteria: Ambry Variant Classification Scheme 2023. Collection method: clinical testing. Allele origin: germline.

PreventionGenetics, part of Exact Sciences
Classification: Likely benign for LTBP3-related condition. Last evaluated: 2019-04-24. Review status: no assertion criteria provided. Collection method: clinical testing. Allele origin: germline. Not counted in ClinVar's aggregate classification.
Comment: This variant is classified as likely benign based on ACMG/AMP sequence variant interpretation guidelines (Richards et al. 2015 PMID: 25741868, with internal and published modifications).

NM_001130144.3(LTBP3):c.3507C>T (p.Gly1169=)

Gene: LTBP3 (latent transforming growth factor beta binding protein 3; minus strand). Cytogenetic location: 11q13.1.
Variant type: single nucleotide variant.
Coding change: c.3507C>T on transcript NM_001130144.3 (MANE Select); coding-DNA position 3507, C replaced by T.
Protein change: p.Gly1169=; no amino-acid change (glycine 1169 retained).
Molecular consequence: synonymous variant.
Genome position (GRCh38, 1-based): chr11:65,539,760, G>A on the plus strand (C>T on the coding strand, the complement: LTBP3 is on the minus strand). VCF-style: chr11-65539760-G-A. GRCh37 (hg19) VCF-style: chr11-65307231-G-A.
Other names: c.3015C>T, p.Gly1005= (NM_001164266.1); c.3366C>T, p.Gly1122= (NM_021070.4).
Identifiers: ClinVar variation 1732120 (VCV001732120.8), dbSNP rs779328140, ClinGen allele CA6100271.